The following is an entry in ClinVar:

ClinVar aggregate classification (germline): Uncertain significance. Review status: criteria provided, multiple submitters, no conflicts (2 of 4 stars). 2 submissions from 2 submitters: Uncertain significance (2). Last evaluated 2026-06-01.

Conditions:
Hereditary cancer-predisposing syndrome. Also called: Tumor predisposition; Hereditary Cancer Syndrome; Hereditary neoplastic syndrome; Neoplastic Syndromes, Hereditary. Identifiers: Orphanet 140162, MedGen C0027672, MeSH D009386, MONDO:0015356.
Ataxia-telangiectasia syndrome (AT). Also called: Ataxia-telangiectasia; Ataxia-telangiectasia, complementation group E; Ataxia telangiectasia (A-T); LOUIS-BAR SYNDROME; Cerebello-oculocutaneous telangiectasia; Immunodeficiency with ataxia telangiectasia. Identifiers: Orphanet 100, MedGen C0004135, MONDO:0008840, OMIM 208900.

Submissions (2):

Ambry Genetics
Classification: Uncertain significance for Hereditary cancer-predisposing syndrome. Last evaluated: 2026-06-01. Review status: criteria provided, single submitter. Criteria: Ambry Variant Classification Scheme 2023. Collection method: clinical testing. Allele origin: germline.
Comment: The p.S83L variant (also known as c.248C>T), located in coding exon 3 of the ATM gene, results from a C to T substitution at nucleotide position 248. The serine at codon 83 is replaced by leucine, an amino acid with dissimilar properties. In an assay testing ATM function, this variant showed a functionally abnormal result (Lee KS et al. Cell, 2025 Sep;188:5081-5099.e27). This amino acid position is well conserved in available vertebrate species. In addition, this alteration is predicted to be tolerated by in silico analysis. Based on the available evidence, the clinical significance of this variant remains unclear.

Labcorp Genetics (formerly Invitae), Labcorp
Classification: Uncertain significance for Ataxia-telangiectasia syndrome. Last evaluated: 2022-02-04. Review status: criteria provided, single submitter. Criteria: Invitae Variant Classification Sherloc (09022015). Collection method: clinical testing. Allele origin: germline.
Comment: In summary, the available evidence is currently insufficient to determine the role of this variant in disease. Therefore, it has been classified as a Variant of Uncertain Significance. Advanced modeling of protein sequence and biophysical properties (such as structural, functional, and spatial information, amino acid conservation, physicochemical variation, residue mobility, and thermodynamic stability) performed at Invitae indicates that this missense variant is not expected to disrupt ATM protein function. This variant has not been reported in the literature in individuals affected with ATM-related conditions. This variant is not present in population databases (gnomAD no frequency). This sequence change replaces serine, which is neutral and polar, with leucine, which is neutral and non-polar, at codon 83 of the ATM protein (p.Ser83Leu).

Literature cited by the submitters: PubMed 40580951 (cited by Ambry Genetics).

NM_000051.4(ATM):c.248C>T (p.Ser83Leu)

Gene: ATM (ATM serine/threonine kinase; plus strand). Cytogenetic location: 11q22.3.
Variant type: single nucleotide variant.
Coding change: c.248C>T on transcript NM_000051.4 (MANE Select); coding-DNA position 248, C replaced by T.
Protein change: p.Ser83Leu; replaces serine 83 with leucine.
Molecular consequence: missense variant.
Genome position (GRCh38, 1-based): chr11:108,229,240, C>T. VCF-style: chr11-108229240-C-T. GRCh37 (hg19) VCF-style: chr11-108099967-C-T.
Other names: c.248C>T, p.Ser83Leu (NM_001351834.2, NM_001351835.2, NM_001351836.2); short protein forms S83L.
Identifiers: ClinVar variation 2180903 (VCV002180903.5), dbSNP rs2135035080, ClinGen allele CA382521553.